The following is an entry in ClinVar:

ClinVar aggregate classification (germline): Uncertain significance. Review status: criteria provided, single submitter (1 of 4 stars). 2 submissions from 2 submitters: Uncertain significance (1). 1 of the submissions does not count toward it. Last evaluated 2025-12-08.

Conditions:
PDGFRB-related disorder. Also called: PDGFRB-related condition.
Inborn genetic diseases. Identifiers: MedGen C0950123, MeSH D030342.

gnomAD v4.1: 35 of 1,612,442 alleles (0.0022%); highest among the groups gnomAD compares: Non-Finnish European, 0.0025%; 1 homozygote.

Submissions (2):

Ambry Genetics
Classification: Uncertain significance for Inborn genetic diseases. Last evaluated: 2025-12-08. Review status: criteria provided, single submitter. Criteria: Ambry Variant Classification Scheme 2023. Collection method: clinical testing. Allele origin: germline.

PreventionGenetics, part of Exact Sciences
Classification: Uncertain significance for PDGFRB-related condition. Last evaluated: 2024-09-19. Review status: no assertion criteria provided. Collection method: clinical testing. Allele origin: germline. Not counted in ClinVar's aggregate classification.
Comment: The PDGFRB c.3269C>T variant is predicted to result in the amino acid substitution p.Pro1090Leu. To our knowledge, this variant has not been reported in the literature. This variant is reported in 0.0055% of alleles in individuals of East Asian descent in gnomAD. At this time, the clinical significance of this variant is uncertain due to the absence of conclusive functional and genetic evidence.

NM_002609.4(PDGFRB):c.3269C>T (p.Pro1090Leu)

Gene: PDGFRB (platelet derived growth factor receptor beta; minus strand). Cytogenetic location: 5q32.
Variant type: single nucleotide variant.
Coding change: c.3269C>T on transcript NM_002609.4 (MANE Select); coding-DNA position 3269, C replaced by T.
Protein change: p.Pro1090Leu; replaces proline 1090 with leucine.
Molecular consequence: missense variant.
Genome position (GRCh38, 1-based): chr5:150,115,815, G>A on the plus strand (C>T on the coding strand, the complement: PDGFRB is on the minus strand). VCF-style: chr5-150115815-G-A. GRCh37 (hg19) VCF-style: chr5-149495378-G-A.
Other names: c.3077C>T, p.Pro1026Leu (NM_001355016.2); c.2786C>T, p.Pro929Leu (NM_001355017.2); short protein forms P1026L, P1090L, P929L.
Identifiers: ClinVar variation 3347709 (VCV003347709.2).